The following is an entry in ClinVar:

ClinVar aggregate classification (germline): Uncertain significance (1 of 4 stars; one submission).

Conditions:
Fanconi anemia (FA). Also called: Fanconi's anemia. Identifiers: Orphanet 84, MedGen C0015625, MeSH D005199, MONDO:0019391.

Submission:

Labcorp Genetics (formerly Invitae), Labcorp
Classification: Uncertain significance for Fanconi anemia. Last evaluated: 2022-12-24. Review status: criteria provided, single submitter. Criteria: Invitae Variant Classification Sherloc (09022015). Collection method: clinical testing. Allele origin: germline.
Comment: This sequence change replaces asparagine, which is neutral and polar, with lysine, which is basic and polar, at codon 989 of the FANCM protein (p.Asn989Lys). This variant is not present in population databases (gnomAD no frequency). This variant has not been reported in the literature in individuals affected with FANCM-related conditions. Algorithms developed to predict the effect of missense changes on protein structure and function (SIFT, PolyPhen-2, Align-GVGD) all suggest that this variant is likely to be tolerated. In summary, the available evidence is currently insufficient to determine the role of this variant in disease. Therefore, it has been classified as a Variant of Uncertain Significance.

NM_020937.4(FANCM):c.2967T>G (p.Asn989Lys)

Gene: FANCM (FA complementation group M; plus strand). Cytogenetic location: 14q21.2.
Variant type: single nucleotide variant.
Coding change: c.2967T>G on transcript NM_020937.4 (MANE Select); coding-DNA position 2967, T replaced by G.
Protein change: p.Asn989Lys; replaces asparagine 989 with lysine.
Molecular consequence: missense variant.
Genome position (GRCh38, 1-based): chr14:45,175,721, T>G. VCF-style: chr14-45175721-T-G. GRCh37 (hg19) VCF-style: chr14-45644924-T-G.
Other names: c.2889T>G, p.Asn963Lys (NM_001308133.2); short protein forms N963K, N989K.
Identifiers: ClinVar variation 2823887 (VCV002823887.3), dbSNP rs989812343, ClinGen allele CA389599579.